The following is an entry in ClinVar:

ClinVar aggregate classification (germline): Likely benign. Review status: criteria provided, multiple submitters, no conflicts (2 of 4 stars). 3 submissions from 3 submitters: Likely benign (2). 1 of the submissions does not count toward it. Last evaluated 2025-12-29.

Conditions:
Familial dysautonomia. Also called: HSAN III; FD. Identifiers: Orphanet 1764, MedGen C0013364, MONDO:0009131, OMIM 223900. Disease mechanism: loss of function.

Allele frequency attached by ClinVar (database versions not stated): ExAC 0.00001; gnomAD exomes 0.00001; TOPMed 0.00001; ESP Exome Variant Server 0.00008.

Submissions (3):

Labcorp Genetics (formerly Invitae), Labcorp
Classification: Likely benign. Last evaluated: 2025-12-29. Review status: criteria provided, single submitter. Criteria: Invitae Variant Classification Sherloc (09022015). Collection method: clinical testing. Allele origin: germline.

CeGaT Center for Human Genetics Tuebingen
Classification: Likely benign. Last evaluated: 2024-12-01. Review status: criteria provided, single submitter. Criteria: CeGaT Center For Human Genetics Tuebingen Variant Classification Criteria Version 2. Collection method: clinical testing. Allele origin: germline. Affected: yes. Observed: 1 variant allele.
Comment: ELP1: BP4, BP7

Natera, Inc.
Classification: Likely benign for Familial dysautonomia. Last evaluated: 2020-01-31. Review status: no assertion criteria provided. Collection method: clinical testing. Allele origin: germline. Not counted in ClinVar's aggregate classification.

NM_003640.5(ELP1):c.3918G>A (p.Ser1306=)

Gene: ELP1 (elongator acetyltransferase complex subunit 1; minus strand). Cytogenetic location: 9q31.3.
Variant type: single nucleotide variant.
Coding change: c.3918G>A on transcript NM_003640.5 (MANE Select); coding-DNA position 3918, G replaced by A.
Protein change: p.Ser1306=; no amino-acid change (serine 1306 retained).
Molecular consequence: synonymous variant.
Genome position (GRCh38, 1-based): chr9:108,874,908, C>T on the plus strand (G>A on the coding strand, the complement: ELP1 is on the minus strand). VCF-style: chr9-108874908-C-T. GRCh37 (hg19) VCF-style: chr9-111637188-C-T.
Other names: c.3576G>A, p.Ser1192= (NM_001318360.2); c.2871G>A, p.Ser957= (NM_001330749.2).
Identifiers: ClinVar variation 705522 (VCV000705522.24), dbSNP rs146862778, ClinGen allele CA5174137.
Genomic context (GRCh38, chr9:108,874,908, plus strand): 5'-AGTCCTTCTGCTTAGTATTGTAATATTAAATGAGAAAAAATACTAACCAAGAACAGGAAC[C>T]GAAGTCTTCTGTTGCTGATAAGATGCCATGATACTATTTGCAGTAGAATTGGGACCTAGA-3'
Protein context (NP_003631.2, residues 1296-1316): IMASYQQQKT[Ser1306=]VPVLDAELFI